The following is an entry in ClinVar:

ClinVar aggregate classification (germline): Uncertain significance. Review status: criteria provided, multiple submitters, no conflicts (2 of 4 stars). 2 submissions from 2 submitters: Uncertain significance (2). Last evaluated 2024-12-16.

Conditions:
Autosomal dominant epilepsy with auditory features. Identifiers: Orphanet 101046, MedGen C1838062, MONDO:0010898.
Inborn genetic diseases. Identifiers: MedGen C0950123, MeSH D030342.

Allele frequency attached by ClinVar (database versions not stated): ExAC 0.00001; gnomAD 0.00001; gnomAD exomes 0.00001 and 0.00007; TOPMed 0.00001.
gnomAD v4.1: 97 of 1,614,036 alleles (0.006%); highest among the groups gnomAD compares: Non-Finnish European, 0.0078%; no homozygotes.

Submissions (2):

Labcorp Genetics (formerly Invitae), Labcorp
Classification: Uncertain significance for Autosomal dominant epilepsy with auditory features. Last evaluated: 2024-12-16. Review status: criteria provided, single submitter. Criteria: Invitae Variant Classification Sherloc (09022015). Collection method: clinical testing. Allele origin: germline.
Comment: This sequence change replaces serine, which is neutral and polar, with leucine, which is neutral and non-polar, at codon 464 of the LGI1 protein (p.Ser464Leu). This variant is present in population databases (rs747229730, gnomAD 0.004%). This variant has not been reported in the literature in individuals affected with LGI1-related conditions. ClinVar contains an entry for this variant (Variation ID: 852275). Invitae Evidence Modeling of protein sequence and biophysical properties (such as structural, functional, and spatial information, amino acid conservation, physicochemical variation, residue mobility, and thermodynamic stability) indicates that this missense variant is not expected to disrupt LGI1 protein function with a negative predictive value of 80%. In summary, the available evidence is currently insufficient to determine the role of this variant in disease. Therefore, it has been classified as a Variant of Uncertain Significance.

Ambry Genetics
Classification: Uncertain significance for Inborn genetic diseases. Last evaluated: 2017-06-07. Review status: criteria provided, single submitter. Criteria: Ambry Variant Classification Scheme 2023. Collection method: clinical testing. Allele origin: germline.
Comment: The p.S464L variant (also known as c.1391C>T), located in coding exon 8 of the LGI1 gene, results from a C to T substitution at nucleotide position 1391. The serine at codon 464 is replaced by leucine, an amino acid with dissimilar properties. This amino acid position is not well conserved in available vertebrate species. In addition, this alteration is predicted to be tolerated by in silico analysis. Since supporting evidence is limited at this time, the clinical significance of this alteration remains unclear.

NM_005097.4(LGI1):c.1391C>T (p.Ser464Leu)

Gene: LGI1 (leucine rich glioma inactivated 1; plus strand). Cytogenetic location: 10q23.33.
Variant type: single nucleotide variant.
Coding change: c.1391C>T on transcript NM_005097.4 (MANE Select); coding-DNA position 1391, C replaced by T.
Protein change: p.Ser464Leu; replaces serine 464 with leucine.
Molecular consequence: missense variant. On other transcripts: non-coding transcript variant (1), intron variant (1).
Genome position (GRCh38, 1-based): chr10:93,797,520, C>T. VCF-style: chr10-93797520-C-T. GRCh37 (hg19) VCF-style: chr10-95557277-C-T.
Other names: c.1247C>T, p.Ser416Leu (NM_001308276.2); c.839-229C>T (NM_001308275.2); short protein forms S416L, S464L.
Identifiers: ClinVar variation 852275 (VCV000852275.11), dbSNP rs747229730, ClinGen allele CA5611265.